The following is an entry in ClinVar:

NM_000368.5(TSC1):c.2003C>G (p.Pro668Arg)

Gene: TSC1 (TSC complex subunit 1; minus strand). Cytogenetic location: 9q34.13.
Variant type: single nucleotide variant.
Coding change: c.2003C>G on transcript NM_000368.5 (MANE Select); coding-DNA position 2003, C replaced by G.
Protein change: p.Pro668Arg; replaces proline 668 with arginine.
Molecular consequence: missense variant. On other transcripts: non-coding transcript variant (5).
Genome position (GRCh38, 1-based): chr9:132,904,449, G>C on the plus strand (C>G on the coding strand, the complement: TSC1 is on the minus strand). VCF-style: chr9-132904449-G-C. GRCh37 (hg19) VCF-style: chr9-135779836-G-C.
Other names: c.2000C>G, p.Pro667Arg (NM_001162426.2, NM_001406597.1, NM_001406598.1 and 6 more transcripts); c.1850C>G, p.Pro617Arg (NM_001162427.2, NM_001406610.1); c.1640C>G, p.Pro547Arg (NM_001362177.2, NM_001406614.1, NM_001406615.1 and 5 more transcripts); c.2003C>G, p.Pro668Arg (NM_001406592.1, NM_001406593.1, NM_001406594.1 and 7 more transcripts); c.1847C>G, p.Pro616Arg (NM_001406611.1, NM_001406612.1, NM_001406613.1); c.1637C>G, p.Pro546Arg (NM_001406620.1, NM_001406621.1, NM_001406622.1 and 2 more transcripts); c.1052C>G, p.Pro351Arg (NM_001406626.1); c.1049C>G, p.Pro350Arg (NM_001406627.1, NM_001406628.1); and 1 more; short protein forms P546R, P616R, P317R, P668R, P350R, P351R, P547R, P617R.
Identifiers: ClinVar variation 3811241 (VCV003811241.1).

ClinVar aggregate classification (germline): Uncertain significance (1 of 4 stars; one submission).

Conditions:
Hereditary cancer-predisposing syndrome. Also called: Neoplastic Syndromes, Hereditary; Hereditary Cancer Syndrome; Tumor predisposition; Hereditary neoplastic syndrome. Identifiers: Orphanet 140162, MedGen C0027672, MeSH D009386, MONDO:0015356.

Submission:

Ambry Genetics
Classification: Uncertain significance for Hereditary cancer-predisposing syndrome. Last evaluated: 2025-01-18. Review status: criteria provided, single submitter. Criteria: Ambry Variant Classification Scheme 2023. Collection method: clinical testing. Allele origin: germline.
Comment: The p.P668R variant (also known as c.2003C>G), located in coding exon 14 of the TSC1 gene, results from a C to G substitution at nucleotide position 2003. The proline at codon 668 is replaced by arginine, an amino acid with dissimilar properties. This amino acid position is conserved. In addition, this alteration is predicted to be tolerated by in silico analysis. Based on the available evidence, the clinical significance of this variant remains unclear.